The following is an entry in ClinVar:

NM_006158.5(NEFL):c.688G>A (p.Glu230Lys)

Gene: NEFL (neurofilament light chain; minus strand). Cytogenetic location: 8p21.2.
Variant type: single nucleotide variant.
Coding change: c.688G>A on transcript NM_006158.5 (MANE Select); coding-DNA position 688, G replaced by A.
Protein change: p.Glu230Lys; replaces glutamic acid 230 with lysine.
Molecular consequence: missense variant.
Genome position (GRCh38, 1-based): chr8:24,955,828, C>T on the plus strand (G>A on the coding strand, the complement: NEFL is on the minus strand). VCF-style: chr8-24955828-C-T. GRCh37 (hg19) VCF-style: chr8-24813342-C-T.
Other names: short protein forms E230K.
Identifiers: ClinVar variation 412302 (VCV000412302.8), dbSNP rs758201328, ClinGen allele CA16612439.

ClinVar aggregate classification (germline): Uncertain significance. Review status: criteria provided, multiple submitters, no conflicts (2 of 4 stars). 2 submissions from 2 submitters: Uncertain significance (2). Last evaluated 2023-08-14.

Conditions:
Inborn genetic diseases. Identifiers: MedGen C0950123, MeSH D030342.
Charcot-Marie-Tooth disease type 2E (CMT2E). Also called: CHARCOT-MARIE-TOOTH DISEASE, AXONAL, TYPE 2E; CHARCOT-MARIE-TOOTH NEUROPATHY, TYPE 2E. Identifiers: Orphanet 99939, MedGen C1843225, MONDO:0011894, OMIM 607684.

Allele frequency attached by ClinVar (database versions not stated): gnomAD exomes 0.00001.
gnomAD v4.1: 19 of 1,611,498 alleles (0.0012%); highest among the groups gnomAD compares: Non-Finnish European, 0.0012%; no homozygotes.

Submissions (2):

Labcorp Genetics (formerly Invitae), Labcorp
Classification: Uncertain significance for Charcot-Marie-Tooth disease type 2E. Last evaluated: 2023-08-14. Review status: criteria provided, single submitter. Criteria: Invitae Variant Classification Sherloc (09022015). Collection method: clinical testing. Allele origin: germline.
Comment: ClinVar contains an entry for this variant (Variation ID: 412302). This variant has not been reported in the literature in individuals affected with NEFL-related conditions. This variant is not present in population databases (gnomAD no frequency). This sequence change replaces glutamic acid, which is acidic and polar, with lysine, which is basic and polar, at codon 230 of the NEFL protein (p.Glu230Lys). Advanced modeling of protein sequence and biophysical properties (such as structural, functional, and spatial information, amino acid conservation, physicochemical variation, residue mobility, and thermodynamic stability) performed at Invitae indicates that this missense variant is expected to disrupt NEFL protein function. In summary, the available evidence is currently insufficient to determine the role of this variant in disease. Therefore, it has been classified as a Variant of Uncertain Significance.

Ambry Genetics
Classification: Uncertain significance for Inborn genetic diseases. Last evaluated: 2022-03-22. Review status: criteria provided, single submitter. Criteria: Ambry Variant Classification Scheme 2023. Collection method: clinical testing. Allele origin: germline.
Comment: The p.E230K variant (also known as c.688G>A), located in coding exon 1 of the NEFL gene, results from a G to A substitution at nucleotide position 688. The glutamic acid at codon 230 is replaced by lysine, an amino acid with similar properties. This amino acid position is conserved. In addition, this alteration is predicted to be deleterious by in silico analysis. Since supporting evidence is limited at this time, the clinical significance of this alteration remains unclear.